The following is an entry in ClinVar:

ClinVar aggregate classification (germline): Pathogenic (1 of 4 stars; one submission).

Conditions:
Baller-Gerold syndrome (BGS). Also called: CRANIOSYNOSTOSIS WITH RADIAL DEFECTS. Identifiers: Orphanet 1225, MedGen C0265308, MONDO:0009039, OMIM 218600.

Submission:

Labcorp Genetics (formerly Invitae), Labcorp
Classification: Pathogenic for Baller-Gerold syndrome. Last evaluated: 2021-11-18. Review status: criteria provided, single submitter. Criteria: Invitae Variant Classification Sherloc (09022015). Collection method: clinical testing. Allele origin: germline.
Comment: For these reasons, this variant has been classified as Pathogenic. This variant has not been reported in the literature in individuals affected with RECQL4-related conditions. This variant is not present in population databases (gnomAD no frequency). This sequence change creates a premature translational stop signal (p.Cys1088Alafs*62) in the RECQL4 gene. It is expected to result in an absent or disrupted protein product. Loss-of-function variants in RECQL4 are known to be pathogenic (PMID: 12734318, 12952869).

Literature cited by the submitters: PubMed 12734318; PubMed 12952869.

NM_004260.4(RECQL4):c.3262del (p.Cys1088fs)

Gene: RECQL4 (RecQ like helicase 4; minus strand). Cytogenetic location: 8q24.3.
Variant type: Deletion.
Coding change: c.3262del on transcript NM_004260.4 (MANE Select); coding-DNA position 3262, one base deleted (T; older notation c.3262delT).
Protein change: p.Cys1088fs; shifts the reading frame from cysteine 1088.
Molecular consequence: frameshift variant.
Genome position (GRCh38, 1-based): chr8:144,512,042, A deleted on the plus strand (T on the coding strand, the reverse complement: RECQL4 is on the minus strand). VCF-style (leftmost placement, unchanged base first): chr8-144512041-CA-C. GRCh37 (hg19) VCF-style: chr8-145737424-CA-C.
Other names: short protein forms C1088fs.
Identifiers: ClinVar variation 1451561 (VCV001451561.6), dbSNP rs2130656050, ClinGen allele CA2573143050.